The following is an entry in ClinVar:

NM_006389.5(HYOU1):c.1390C>G (p.His464Asp)

Gene: HYOU1 (hypoxia up-regulated 1; minus strand). Cytogenetic location: 11q23.3.
Variant type: single nucleotide variant.
Coding change: c.1390C>G on transcript NM_006389.5 (MANE Select); coding-DNA position 1390, C replaced by G.
Protein change: p.His464Asp; replaces histidine 464 with aspartic acid.
Molecular consequence: missense variant.
Genome position (GRCh38, 1-based): chr11:119,051,574, G>C on the plus strand (C>G on the coding strand, the complement: HYOU1 is on the minus strand). VCF-style: chr11-119051574-G-C. GRCh37 (hg19) VCF-style: chr11-118922286-G-C.
Other names: c.1390C>G, p.His464Asp (NM_001130991.3); short protein forms H464D.
Identifiers: ClinVar variation 1374730 (VCV001374730.6), dbSNP rs2134694845, ClinGen allele CA382937957.

ClinVar aggregate classification (germline): Uncertain significance (1 of 4 stars; one submission).

Submission:

Labcorp Genetics (formerly Invitae), Labcorp
Classification: Uncertain significance. Last evaluated: 2022-12-06. Review status: criteria provided, single submitter. Criteria: Invitae Variant Classification Sherloc (09022015). Collection method: clinical testing. Allele origin: germline.
Comment: In summary, the available evidence is currently insufficient to determine the role of this variant in disease. Therefore, it has been classified as a Variant of Uncertain Significance. Algorithms developed to predict the effect of missense changes on protein structure and function are either unavailable or do not agree on the potential impact of this missense change (SIFT: "Not Available"; PolyPhen-2: "Possibly Damaging"; Align-GVGD: "Not Available"). ClinVar contains an entry for this variant (Variation ID: 1374730). This variant has not been reported in the literature in individuals affected with HYOU1-related conditions. This variant is not present in population databases (gnomAD no frequency). This sequence change replaces histidine with aspartic acid at codon 464 of the HYOU1 protein (p.His464Asp). The histidine residue is moderately conserved and there is a moderate physicochemical difference between histidine and aspartic acid.